The following is an entry in ClinVar:

NM_001375567.1(FOCAD):c.1171G>A (p.Glu391Lys)

Gene: FOCAD (focadhesin; plus strand). Cytogenetic location: 9p21.3.
Variant type: single nucleotide variant.
Coding change: c.1171G>A on transcript NM_001375567.1 (MANE Select); coding-DNA position 1171, G replaced by A.
Protein change: p.Glu391Lys; replaces glutamic acid 391 with lysine.
Molecular consequence: missense variant.
Genome position (GRCh38, 1-based): chr9:20,781,903, G>A. VCF-style: chr9-20781903-G-A. GRCh37 (hg19) VCF-style: chr9-20781902-G-A.
Other names: c.1171G>A, p.Glu391Lys (NM_001375568.1, NM_017794.5); c.1066G>A, p.Glu356Lys (NM_001375570.1); short protein forms E356K, E391K.
Identifiers: ClinVar variation 2303681 (VCV002303681.6), dbSNP rs148691031, ClinGen allele CA5006627.

ClinVar aggregate classification (germline): Uncertain significance. Review status: criteria provided, multiple submitters, no conflicts (2 of 4 stars). 2 submissions from 2 submitters: Uncertain significance (2). Last evaluated 2025-08-25.

Conditions:
Inborn genetic diseases. Identifiers: MedGen C0950123, MeSH D030342.

Allele frequency attached by ClinVar (database versions not stated): gnomAD 0.00011; ExAC 0.00007; TOPMed 0.00012; gnomAD exomes 0.00013; 1000 Genomes Project 0.00020; ESP Exome Variant Server 0.00015; 1000 Genomes Project 30x 0.00016.
gnomAD v4.1: 197 of 1,613,884 alleles (0.012%); highest among the groups gnomAD compares: Non-Finnish European, 0.016%; no homozygotes.

Submissions (2):

Labcorp Genetics (formerly Invitae), Labcorp
Classification: Uncertain significance. Last evaluated: 2025-08-25. Review status: criteria provided, single submitter. Criteria: Invitae Variant Classification Sherloc (09022015). Collection method: clinical testing. Allele origin: germline.
Comment: This sequence change replaces glutamic acid, which is acidic and polar, with lysine, which is basic and polar, at codon 391 of the FOCAD protein (p.Glu391Lys). This variant is present in population databases (rs148691031, gnomAD 0.02%). This variant has not been reported in the literature in individuals affected with FOCAD-related conditions. ClinVar contains an entry for this variant (Variation ID: 2303681). Experimental studies and prediction algorithms are not available or were not evaluated, and the functional significance of this variant is currently unknown. In summary, the available evidence is currently insufficient to determine the role of this variant in disease. Therefore, it has been classified as a Variant of Uncertain Significance.

Ambry Genetics
Classification: Uncertain significance for Inborn genetic diseases. Last evaluated: 2024-05-02. Review status: criteria provided, single submitter. Criteria: Ambry Variant Classification Scheme 2023. Collection method: clinical testing. Allele origin: germline.